The following is an entry in ClinVar:

ClinVar aggregate classification (germline): Uncertain significance (1 of 4 stars; one submission).

Conditions:
Epileptic encephalopathy. Identifiers: MedGen C0543888, HP:0200134.

Submission:

Labcorp Genetics (formerly Invitae), Labcorp
Classification: Uncertain significance for Epileptic encephalopathy. Last evaluated: 2022-01-22. Review status: criteria provided, single submitter. Criteria: Invitae Variant Classification Sherloc (09022015). Collection method: clinical testing. Allele origin: germline.
Comment: In summary, the available evidence is currently insufficient to determine the role of this variant in disease. Therefore, it has been classified as a Variant of Uncertain Significance. Algorithms developed to predict the effect of missense changes on protein structure and function output the following: SIFT: "Tolerated"; PolyPhen-2: "Benign"; Align-GVGD: "Class C0". The isoleucine amino acid residue is found in multiple mammalian species, which suggests that this missense change does not adversely affect protein function. This variant has not been reported in the literature in individuals affected with FASN-related conditions. This variant is not present in population databases (gnomAD no frequency). This sequence change replaces methionine, which is neutral and non-polar, with isoleucine, which is neutral and non-polar, at codon 1235 of the FASN protein (p.Met1235Ile).

NM_004104.5(FASN):c.3705G>T (p.Met1235Ile)

Gene: FASN (fatty acid synthase; minus strand). Cytogenetic location: 17q25.3.
Variant type: single nucleotide variant.
Coding change: c.3705G>T on transcript NM_004104.5 (MANE Select); coding-DNA position 3705, G replaced by T.
Protein change: p.Met1235Ile; replaces methionine 1235 with isoleucine.
Molecular consequence: missense variant.
Genome position (GRCh38, 1-based): chr17:82,086,281, C>A on the plus strand (G>T on the coding strand, the complement: FASN is on the minus strand). VCF-style: chr17-82086281-C-A. GRCh37 (hg19) VCF-style: chr17-80044157-C-A.
Other names: short protein forms M1235I.
Identifiers: ClinVar variation 1405462 (VCV001405462.8), dbSNP rs766761539, ClinGen allele CA401551292.